The following is an entry in ClinVar:

ClinVar aggregate classification (germline): Uncertain significance. Review status: criteria provided, multiple submitters, no conflicts (2 of 4 stars). 2 submissions from 2 submitters: Uncertain significance (2). Last evaluated 2024-09-10.

Allele frequency attached by ClinVar (database versions not stated): TOPMed 0.00003; gnomAD 0.00001; ExAC 0.00003.
gnomAD v4.1: 29 of 1,614,030 alleles (0.0018%); highest among the groups gnomAD compares: Admixed American, 0.0067%; no homozygotes.

Submissions (2):

Mayo Clinic Laboratories, Mayo Clinic
Classification: Uncertain significance. Last evaluated: 2024-09-10. Review status: criteria provided, single submitter. Criteria: ACMG Guidelines, 2015. Collection method: clinical testing. Allele origin: germline. Observed: 1 variant allele.
Comment: BP4

Labcorp Genetics (formerly Invitae), Labcorp
Classification: Uncertain significance. Last evaluated: 2022-04-12. Review status: criteria provided, single submitter. Criteria: Invitae Variant Classification Sherloc (09022015). Collection method: clinical testing. Allele origin: germline.
Comment: This sequence change replaces isoleucine, which is neutral and non-polar, with methionine, which is neutral and non-polar, at codon 736 of the ADAMTS17 protein (p.Ile736Met). This variant is present in population databases (rs779072441, gnomAD 0.009%). This variant has not been reported in the literature in individuals affected with ADAMTS17-related conditions. Algorithms developed to predict the effect of missense changes on protein structure and function are either unavailable or do not agree on the potential impact of this missense change (SIFT: "Not Available"; PolyPhen-2: "Possibly Damaging"; Align-GVGD: "Not Available"). In summary, the available evidence is currently insufficient to determine the role of this variant in disease. Therefore, it has been classified as a Variant of Uncertain Significance.

NM_139057.4(ADAMTS17):c.2208T>G (p.Ile736Met)

Gene: ADAMTS17 (ADAM metallopeptidase with thrombospondin type 1 motif 17; minus strand). Cytogenetic location: 15q26.3.
Variant type: single nucleotide variant.
Coding change: c.2208T>G on transcript NM_139057.4 (MANE Select); coding-DNA position 2208, T replaced by G.
Protein change: p.Ile736Met; replaces isoleucine 736 with methionine.
Molecular consequence: missense variant.
Genome position (GRCh38, 1-based): chr15:100,053,984, A>C on the plus strand (T>G on the coding strand, the complement: ADAMTS17 is on the minus strand). VCF-style: chr15-100053984-A-C. GRCh37 (hg19) VCF-style: chr15-100594189-A-C.
Other names: p.Ile736Met; short protein forms I736M.
Identifiers: ClinVar variation 2075191 (VCV002075191.2), dbSNP rs779072441, ClinGen allele CA7757823.